The following is an entry in ClinVar:

ClinVar aggregate classification (germline): Uncertain significance. Review status: criteria provided, multiple submitters, no conflicts (2 of 4 stars). 2 submissions from 2 submitters: Uncertain significance (2). Last evaluated 2024-12-31.

Conditions:
Cardiovascular phenotype. Identifiers: MedGen CN230736.

Allele frequency attached by ClinVar (database versions not stated): gnomAD 0.00001; TOPMed 0.00002.
gnomAD v4.1: 2 of 1,542,586 alleles (0.00013%); highest among the groups gnomAD compares: African/African-American, 0.0028%; no homozygotes.

Submissions (2):

Ambry Genetics
Classification: Uncertain significance for Cardiovascular phenotype. Last evaluated: 2024-12-31. Review status: criteria provided, single submitter. Criteria: Ambry Variant Classification Scheme 2023. Collection method: clinical testing. Allele origin: germline.
Comment: The p.P3319S variant (also known as c.9955C>T), located in coding exon 2 of the ZNF469 gene, results from a C to T substitution at nucleotide position 9955. The proline at codon 3319 is replaced by serine, an amino acid with similar properties. This amino acid position is conserved. In addition, this alteration is predicted to be tolerated by in silico analysis. Based on the available evidence, the clinical significance of this variant remains unclear.

Labcorp Genetics (formerly Invitae), Labcorp
Classification: Uncertain significance. Last evaluated: 2022-05-29. Review status: criteria provided, single submitter. Criteria: Invitae Variant Classification Sherloc (09022015). Collection method: clinical testing. Allele origin: germline.
Comment: This sequence change replaces proline, which is neutral and non-polar, with serine, which is neutral and polar, at codon 3319 of the ZNF469 protein (p.Pro3319Ser). This variant is not present in population databases (gnomAD no frequency). This variant has not been reported in the literature in individuals affected with ZNF469-related conditions. Algorithms developed to predict the effect of missense changes on protein structure and function are either unavailable or do not agree on the potential impact of this missense change (SIFT: "Deleterious"; PolyPhen-2: "Probably Damaging"; Align-GVGD: "Class C0"). In summary, the available evidence is currently insufficient to determine the role of this variant in disease. Therefore, it has been classified as a Variant of Uncertain Significance.

NM_001367624.2(ZNF469):c.10039C>T (p.Pro3347Ser)

Genes: ZNF469 (zinc finger protein 469; plus strand), LOC130059719 (ATAC-STARR-seq lymphoblastoid silent region 7848; plus strand). Cytogenetic location: 16q24.2.
Variant type: single nucleotide variant.
Coding change: c.10039C>T on transcript NM_001367624.2 (MANE Select); coding-DNA position 10039, C replaced by T.
Protein change: p.Pro3347Ser; replaces proline 3347 with serine.
Molecular consequence: missense variant.
Genome position (GRCh38, 1-based): chr16:88,437,509, C>T. VCF-style: chr16-88437509-C-T. GRCh37 (hg19) VCF-style: chr16-88503917-C-T.
Other names: NM_001127464.1:c.9955C>T; short protein forms P3347S.
Identifiers: ClinVar variation 1988137 (VCV001988137.5), dbSNP rs933338880, ClinGen allele CA286386103.
Genomic context (GRCh38, chr16:88,437,509, plus strand): 5'-CCGGTGCACGAGGCCTGCAAGGACCCCTCCCGCGACTGCCACCACTGCGGGAAGCGCTTC[C>T]CCAAGCCCTTCAAGCTGCAGCGCCACCTGGCGGTGCACAGCCCGCAGCGCGTCTACCTGT-3'
Protein context (NP_001354553.1, residues 3337-3357): RDCHHCGKRF[Pro3347Ser]KPFKLQRHLA